The following is an entry in ClinVar:

ClinVar aggregate classification (germline): Pathogenic (1 of 4 stars; one submission).

Conditions:
Inflammatory bowel disease 28. Also called: Inflammatory bowel disease 28, early onset, autosomal recessive. Identifiers: Orphanet 238569, MedGen C2751053, MONDO:0013153, OMIM 613148.

Submission:

Labcorp Genetics (formerly Invitae), Labcorp
Classification: Pathogenic for Inflammatory bowel disease 28. Last evaluated: 2024-06-15. Review status: criteria provided, single submitter. Criteria: Invitae Variant Classification Sherloc (09022015). Collection method: clinical testing. Allele origin: germline.
Comment: This sequence change creates a premature translational stop signal (p.Trp33*) in the IL10RA gene. It is expected to result in an absent or disrupted protein product. Loss-of-function variants in IL10RA are known to be pathogenic (PMID: 24216686, 25373860, 26822028). This variant is not present in population databases (gnomAD no frequency). This premature translational stop signal has been observed in individual(s) with early-onset inflammatory bowel disease (PMID: 28267044, 30212871). For these reasons, this variant has been classified as Pathogenic.

Literature cited by the submitters: PubMed 24216686; PubMed 25373860; PubMed 26822028; PubMed 28267044; PubMed 30212871.

NM_001558.4(IL10RA):c.99G>A (p.Trp33Ter)

Gene: IL10RA (interleukin 10 receptor subunit alpha; plus strand). Cytogenetic location: 11q23.3.
Variant type: single nucleotide variant.
Coding change: c.99G>A on transcript NM_001558.4 (MANE Select); coding-DNA position 99, G replaced by A.
Protein change: p.Trp33Ter; replaces tryptophan 33 with a stop codon.
Molecular consequence: nonsense. On other transcripts: non-coding transcript variant (1).
Genome position (GRCh38, 1-based): chr11:117,988,413, G>A. VCF-style: chr11-117988413-G-A. GRCh37 (hg19) VCF-style: chr11-117859128-G-A.
Other names: short protein forms W33*.
Identifiers: ClinVar variation 3721097 (VCV003721097.2).